The following is an entry in ClinVar:

ClinVar aggregate classification (germline): Uncertain significance. Review status: criteria provided, multiple submitters, no conflicts (2 of 4 stars). 4 submissions from 4 submitters: Uncertain significance (4). Last evaluated 2025-04-28.

Conditions:
Hereditary cancer-predisposing syndrome. Also called: Hereditary Cancer Syndrome; Neoplastic Syndromes, Hereditary; Tumor predisposition; Hereditary neoplastic syndrome. Identifiers: Orphanet 140162, MedGen C0027672, MeSH D009386, MONDO:0015356.
Fanconi anemia complementation group J. Also called: BRIP1-Related Fanconi Anemia. Identifiers: Orphanet 84, MedGen C1836860, MONDO:0012187, OMIM 609054.
Familial cancer of breast. Also called: Hereditary breast cancer; hereditary breast carcinoma; BREAST CANCER, FAMILIAL. Identifiers: Orphanet 227535, MedGen C0346153, MONDO:0016419, OMIM 114480. Disease mechanism: loss of function.

Submissions (4):

KCCC/NGS Laboratory, Kuwait Cancer Control Center
Classification: Uncertain significance for Familial cancer of breast. Last evaluated: 2025-04-28. Review status: criteria provided, single submitter. Criteria: ACMG Guidelines, 2015. Collection method: clinical testing. Allele origin: germline. Inheritance: Autosomal dominant inheritance. Affected: yes. Observed: 1 heterozygote.
Comment: This sequence change replaces glutamine, which is neutral and polar, with arginine, which is basic and polar, at codon 947 of the BRIP1 protein (p.Gln947Arg). This amino acid position is not well conserved (PhyloP=-0.08) . This variant is not present in population databases (gnomAD no frequency). ClinVar contains an entry for this variant (Variation ID: 232425). This variant has not been reported in the literature in individuals affected with BRIP1-related conditions. In addition, this alteration is predicted to be tolerated by in silico analysis. In summary, the available evidence is currently insufficient to determine the role of this variant in disease. Therefore, it has been classified as a Variant of Uncertain Significance.

Ambry Genetics
Classification: Uncertain significance for Hereditary cancer-predisposing syndrome. Last evaluated: 2024-01-17. Review status: criteria provided, single submitter. Criteria: Ambry Variant Classification Scheme 2023. Collection method: clinical testing. Allele origin: germline.
Comment: The p.Q947R variant (also known as c.2840A>G), located in coding exon 18 of the BRIP1 gene, results from an A to G substitution at nucleotide position 2840. The glutamine at codon 947 is replaced by arginine, an amino acid with highly similar properties. This amino acid position is not well conserved in available vertebrate species. In addition, this alteration is predicted to be tolerated by in silico analysis. Since supporting evidence is limited at this time, the clinical significance of this alteration remains unclear.

Color Diagnostics, LLC DBA Color Health
Classification: Uncertain significance for Hereditary cancer-predisposing syndrome. Last evaluated: 2023-12-04. Review status: criteria provided, single submitter. Criteria: ACMG Guidelines, 2015. Collection method: clinical testing. Allele origin: germline.
Comment: This missense variant replaces glutamine with arginine at codon 947 of the BRIP1 protein. Computational prediction suggests that this variant may not impact protein structure and function (internally defined REVEL score threshold <= 0.5, PMID: 27666373). To our knowledge, functional studies have not been reported for this variant. This variant has not been reported in individuals affected with BRIP1-related disorders in the literature. This variant has not been identified in the general population by the Genome Aggregation Database (gnomAD). The available evidence is insufficient to determine the role of this variant in disease conclusively. Therefore, this variant is classified as a Variant of Uncertain Significance.

Labcorp Genetics (formerly Invitae), Labcorp
Classification: Uncertain significance for Familial cancer of breast; Fanconi anemia complementation group J. Last evaluated: 2023-09-20. Review status: criteria provided, single submitter. Criteria: Invitae Variant Classification Sherloc (09022015). Collection method: clinical testing. Allele origin: germline.
Comment: This variant has not been reported in the literature in individuals affected with BRIP1-related conditions. In summary, the available evidence is currently insufficient to determine the role of this variant in disease. Therefore, it has been classified as a Variant of Uncertain Significance. Advanced modeling of protein sequence and biophysical properties (such as structural, functional, and spatial information, amino acid conservation, physicochemical variation, residue mobility, and thermodynamic stability) performed at Invitae indicates that this missense variant is not expected to disrupt BRIP1 protein function. ClinVar contains an entry for this variant (Variation ID: 232425). This variant is not present in population databases (gnomAD no frequency). This sequence change replaces glutamine, which is neutral and polar, with arginine, which is basic and polar, at codon 947 of the BRIP1 protein (p.Gln947Arg).

NM_032043.3(BRIP1):c.2840A>G (p.Gln947Arg)

Gene: BRIP1 (BRCA1 interacting DNA helicase 1; minus strand). Cytogenetic location: 17q23.2.
Variant type: single nucleotide variant.
Coding change: c.2840A>G on transcript NM_032043.3 (MANE Select); coding-DNA position 2840, A replaced by G.
Protein change: p.Gln947Arg; replaces glutamine 947 with arginine.
Molecular consequence: missense variant.
Genome position (GRCh38, 1-based): chr17:61,685,901, T>C on the plus strand (A>G on the coding strand, the complement: BRIP1 is on the minus strand). VCF-style: chr17-61685901-T-C. GRCh37 (hg19) VCF-style: chr17-59763262-T-C.
Other names: short protein forms Q947R.
Identifiers: ClinVar variation 232425 (VCV000232425.14), dbSNP rs876659756, ClinGen allele CA10580786.